The following is an entry in ClinVar:

NM_017739.4(POMGNT1):c.1104_1105del (p.Gln370fs)

Genes: POMGNT1 (protein O-linked mannose N-acetylglucosaminyltransferase 1 (beta 1,2-); minus strand), TSPAN1 (tetraspanin 1; plus strand). Cytogenetic location: 1p34.1.
Variant type: Microsatellite.
Coding change: c.1104_1105del on transcript NM_017739.4 (MANE Select); coding-DNA positions 1104 to 1105, 2 bases deleted (GT; older notation c.1104_1105delGT).
Protein change: p.Gln370fs; shifts the reading frame from glutamine 370.
Molecular consequence: frameshift variant.
Genome position (GRCh38, 1-based): chr1:46,193,310-46,193,311, AC deleted on the plus strand (GT on the coding strand, the reverse complement: POMGNT1 is on the minus strand); deleting any 2 consecutive bases within chr1:46,193,310-46,193,313 gives the same sequence; the c. name uses the placement nearest the transcript's 3' end. VCF-style (leftmost placement, unchanged base first): chr1-46193309-GAC-G. GRCh37 (hg19) VCF-style: chr1-46658981-GAC-G.
Other names: c.1104_1105delGT (NM_017739.3); c.1104_1105del, p.Gln370fs (NM_001243766.2, NM_001410783.1); c.1036_1037GT[1], p.Gln348Alafs (NM_001290129.3); c.675_676del, p.Gln227fs (NM_001290130.2); short protein forms Q370fs, Q348fs, Q227fs.
Identifiers: ClinVar variation 550363 (VCV000550363.10), dbSNP rs1553163360, ClinGen allele CA658821033.

ClinVar aggregate classification (germline): Pathogenic. Review status: criteria provided, single submitter (1 of 4 stars). 2 submissions from 2 submitters: Pathogenic (1). 1 of the submissions does not count toward it. Last evaluated 2021-08-02.

Conditions:
Muscular dystrophy-dystroglycanopathy (congenital with brain and eye anomalies), type A3. Also called: Congenital muscular dystrophy-dystroglycanopathy with brain and eye anomalies, type A3; Muscular dystrophy-dystroglycanopathy (congenital with brain and eye anomalies), type A, 3; WALKER-WARBURG SYNDROME OR MUSCLE-EYE-BRAIN DISEASE, POMGNT1-RELATED. Identifiers: MedGen C3151519, MONDO:0009667, OMIM 253280.
Muscular dystrophy-dystroglycanopathy (congenital with impaired intellectual development), type B, 3. Also called: Muscular dystrophy-dystroglycanopathy (congenital with intellectual disability), type B3; MUSCULAR DYSTROPHY, CONGENITAL, POMGNT1-RELATED. Identifiers: MedGen C3150412, MONDO:0013155, OMIM 613151.
Autosomal recessive limb-girdle muscular dystrophy type 2O. Also called: Limb-Girdle Muscular Dystrophy Type 3C; MUSCULAR DYSTROPHY-DYSTROGLYCANOPATHY (LIMB-GIRDLE), TYPE C, 3; MUSCULAR DYSTROPHY-DYSTROGLYCANOPATHY, LIMB-GIRDLE, POMGNT1-RELATED. Identifiers: Orphanet 206564, MedGen C3150417, MONDO:0013161, OMIM 613157.

Submissions (2):

Labcorp Genetics (formerly Invitae), Labcorp
Classification: Pathogenic for Autosomal recessive limb-girdle muscular dystrophy type 2O; Muscular dystrophy-dystroglycanopathy (congenital with impaired intellectual development), type B, 3. Last evaluated: 2021-08-02. Review status: criteria provided, single submitter. Criteria: Invitae Variant Classification Sherloc (09022015). Collection method: clinical testing. Allele origin: germline.
Comment: ClinVar contains an entry for this variant (Variation ID: 550363). For these reasons, this variant has been classified as Pathogenic. This variant has not been reported in the literature in individuals affected with POMGNT1-related conditions. This variant is not present in population databases (ExAC no frequency). This sequence change creates a premature translational stop signal (p.Gln370Alafs*47) in the POMGNT1 gene. It is expected to result in an absent or disrupted protein product. Loss-of-function variants in POMGNT1 are known to be pathogenic (PMID: 19299310, 20816175, 21447391, 26908613, 27391550).

Counsyl
Classification: Likely pathogenic for Muscular dystrophy-dystroglycanopathy (congenital with brain and eye anomalies), type A3. Last evaluated: 2017-01-11. Review status: no assertion criteria provided. Collection method: clinical testing. Allele origin: unknown. Not counted in ClinVar's aggregate classification.

Literature cited by the submitters: PubMed 19299310 (cited by Labcorp Genetics (formerly Invitae), Labcorp); PubMed 20816175 (cited by Labcorp Genetics (formerly Invitae), Labcorp); PubMed 21447391 (cited by Labcorp Genetics (formerly Invitae), Labcorp); PubMed 26908613 (cited by Labcorp Genetics (formerly Invitae), Labcorp); PubMed 27391550 (cited by Labcorp Genetics (formerly Invitae), Labcorp).